The following is an entry in ClinVar:

ClinVar aggregate classification (germline): Uncertain significance. Review status: criteria provided, multiple submitters, no conflicts (2 of 4 stars). 2 submissions from 2 submitters: Uncertain significance (2). Last evaluated 2025-07-14.

Conditions:
Ornithine carbamoyltransferase deficiency (OTCD). Also called: ORNITHINE TRANSCARBAMYLASE DEFICIENCY, HYPERAMMONEMIA DUE TO; OTC DEFICIENCY; Ornithine Carbamoyltransferase Deficiency Disease; ORNITHINE TRANSCARBAMYLASE DEFICIENCY. Identifiers: Orphanet 664, MedGen C0268542, MONDO:0010703, OMIM 311250.

gnomAD v4.1: 1 of 1,210,921 alleles (0.000083%); no homozygotes.

Submissions (2):

Color Diagnostics, LLC DBA Color Health
Classification: Uncertain significance for Ornithine carbamoyltransferase deficiency. Last evaluated: 2025-07-14. Review status: criteria provided, single submitter. Criteria: ACMG Guidelines, 2015. Collection method: clinical testing. Allele origin: germline.
Comment: This missense variant replaces threonine with isoleucine at codon 219 of the OTC protein. Computational prediction suggests that this variant may have deleterious impact on protein structure and function. To our knowledge, functional studies have not been reported for this variant. This variant has not been reported in individuals affected with OTC-related disorders in the literature. This variant has not been identified in the general population by the Genome Aggregation Database (gnomAD). The available evidence is insufficient to determine the role of this variant in disease conclusively. Therefore, this variant is classified as a Variant of Uncertain Significance.

Blueprint Genetics
Classification: Uncertain significance. Last evaluated: 2021-03-02. Review status: criteria provided, single submitter. Criteria: ACMG Guidelines, 2015. Collection method: clinical testing. Allele origin: germline.

NM_000531.6(OTC):c.656C>T (p.Thr219Ile)

Gene: OTC (ornithine transcarbamylase; plus strand). Cytogenetic location: Xp11.4.
Variant type: single nucleotide variant.
Coding change: c.656C>T on transcript NM_000531.6 (MANE Select); coding-DNA position 656, C replaced by T.
Protein change: p.Thr219Ile; replaces threonine 219 with isoleucine.
Molecular consequence: missense variant.
Genome position (GRCh38, 1-based): chrX:38,403,733, C>T. VCF-style: chrX-38403733-C-T. GRCh37 (hg19) VCF-style: chrX-38262986-C-T.
Other names: c.656C>T, p.Thr219Ile (NM_001407092.1); short protein forms T219I.
Identifiers: ClinVar variation 4758859 (VCV004758859.2).
Genomic context (GRCh38, chrX:38,403,733, plus strand): 5'-ATATCCTGCACTCCATCATGATGAGCGCAGCGAAATTCGGAATGCACCTTCAGGCAGCTA[C>T]TCCAAAGGTAGGGAAACTTTTTGCCTTGAAACTAACCCCTCTCTTAAATCATCCTCAGAT-3'
Protein context (NP_000522.3, residues 209-229): AKFGMHLQAA[Thr219Ile]PKGYEPDASV